The following is an entry in ClinVar:

ClinVar aggregate classification (germline): Pathogenic/Likely pathogenic. Review status: criteria provided, multiple submitters, no conflicts (2 of 4 stars). 4 submissions from 4 submitters: Pathogenic (2); Likely pathogenic (1). 1 of the submissions does not count toward it. Last evaluated 2024-05-10.

Conditions:
Neuronopathy, distal hereditary motor, autosomal recessive 7. Also called: NEUROPATHY, HEREDITARY MOTOR, WITH MYOPATHIC FEATURES; NEUROPATHY, DISTAL HEREDITARY MOTOR, AUTOSOMAL RECESSIVE 7. Identifiers: MedGen C5543119, MONDO:0030977, OMIM 619216.

Submissions (4):

Fulgent Genetics
Classification: Likely pathogenic for Neuronopathy, distal hereditary motor, autosomal recessive 7. Last evaluated: 2024-05-10. Review status: criteria provided, single submitter. Criteria: ACMG Guidelines, 2015. Collection method: clinical testing. Allele origin: germline.

Victorian Clinical Genetics Services, Murdoch Childrens Research Institute
Classification: Pathogenic for Neuronopathy, distal hereditary motor, autosomal recessive 7. Last evaluated: 2023-07-17. Review status: criteria provided, single submitter. Criteria: ACMG Guidelines, 2015. Collection method: clinical testing. Allele origin: germline. Inheritance: Autosomal recessive inheritance. Affected: yes.
Comment: Based on the classification scheme VCGS_Germline_v1.3.4, this variant is classified as Pathogenic. Following criteria are met: 0102 - Loss of function is a known mechanism of disease in this gene and is associated with neuropathy, hereditary motor, with myopathic features (MIM#619216). (I) 0106 - This gene is associated with autosomal recessive disease. (I) 0115 - Variants in this gene are known to have variable expressivity. Features and age of onset varied substantially (PMID: 33459760). (I) 0204 - Variant is predicted to result in a truncated protein (premature termination codon is NOT located at least 54 nucleotides upstream of the final exon-exon junction) with at least 1/3 of the protein sequence affected. (SP) 0252 - This variant is homozygous. (I) 0301 - Variant is absent from gnomAD (both v2 and v3). (SP) 0603 - Missense variant in a region that is highly intolerant to missense variation (high constraint region in DECIPHER). This truncation will result in sequence change of the final third of the VWA domain as well as complete loss of both fn3 domains, one of which is within a very highly constrained region (DECIPHER). (SP) 0702 - Other variants comparable to the one identified in this case have strong previous evidence for pathogenicity. Three variants predicted to result in a truncated protein located downstream have been reported likely pathogenic and pathogenic (ClinVar, PMID: 33459760). (SP) 0803 - This variant has limited previous evidence of pathogenicity. It has been detected in two homozygous individuals with hereditary motor neuropathy from a multigenerational consanguineous Afghan family (PMID: 33559681). (SP) 0903 - This variant has limited evidence for segregation with disease. It is homozygous in two affected individuals and three unaffected individuals were confirmed carriers in a consanguineous family (PMID: 33559681). (SP) 1007 - No published functional evidence has been identified for this variant. (I) 1208 - Inheritance information for this variant is not currently available in this individual. (I) Legend: (SP) - Supporting pathogenic, (I) - Information, (SB) - Supporting benign

Juno Genomics, Hangzhou Juno Genomics, Inc
Classification: Pathogenic for Neuronopathy, distal hereditary motor, autosomal recessive 7. Review status: criteria provided, single submitter. Criteria: ACMG Guidelines, 2015. Collection method: clinical testing. Allele origin: germline. Affected: yes.
Comment: Absent from controls (or at extremely low frequency if recessive) in Genome Aggregation Database, Exome Sequencing Project, 1000 Genomes Project, or Exome Aggregation Consortium.;Null variant in a gene where loss of function (LOF) is a known mechanism of disease.;For recessive disorders, detected in trans with a pathogenic variant.;Patient's phenotype or family history is highly specific for a disease with a single genetic etiology.

Clinical Genetics Laboratory, University Hospital Schleswig-Holstein
Classification: Pathogenic for Neuronopathy, distal hereditary motor, autosomal recessive 7. Last evaluated: 2022-11-22. Review status: no assertion criteria provided. Collection method: clinical testing. Allele origin: biparental. Affected: yes. Not counted in ClinVar's aggregate classification.

Literature cited by the submitters: PubMed 33459760 (cited by Victorian Clinical Genetics Services, Murdoch Childrens Research Institute); PubMed 33559681 (cited by Victorian Clinical Genetics Services, Murdoch Childrens Research Institute).

NM_022834.5(VWA1):c.462del (p.Met155fs)

Gene: VWA1 (von Willebrand factor A domain containing 1; plus strand). Cytogenetic location: 1p36.33.
Variant type: Deletion.
Coding change: c.462del on transcript NM_022834.5 (MANE Select); coding-DNA position 462, one base deleted (C; older notation c.462delC).
Protein change: p.Met155fs; shifts the reading frame from methionine 155.
Molecular consequence: frameshift variant. On other transcripts: intron variant (1).
Genome position (GRCh38, 1-based): chr1:1,437,315, C deleted; the last of 7 consecutive C bases (chr1:1,437,309-1,437,315); deleting any one gives the same sequence. VCF-style (leftmost placement, unchanged base first): chr1-1437308-GC-G. GRCh37 (hg19) VCF-style: chr1-1372688-GC-G.
Other names: c.462delC (NM_022834.4, NM_022834.5); c.74-7del (NM_199121.3); short protein forms M155fs.
Identifiers: ClinVar variation 3065995 (VCV003065995.5), dbSNP rs760281341, ClinGen allele CA523133.